The following is an entry in ClinVar:

ClinVar aggregate classification (germline): Pathogenic (1 of 4 stars; one submission).

Conditions:
Lysosomal acid lipase deficiency. Also called: Acid cholesteryl ester hydrolase deficiency, type 2. Identifiers: Orphanet 275761, MedGen C5574740, MONDO:0800449, MONDO:0010204.

Submission:

GENinCode PLC
Classification: Pathogenic for Lysosomal acid lipase deficiency. Last evaluated: 2025-01-08. Review status: criteria provided, single submitter. Criteria: ACMG Guidelines, 2015. Collection method: clinical testing. Allele origin: germline.
Comment: The c.347G>A p.(Trp116Ter) variant in LIPA is a nonsense variant that is predicted to undergo nonsense mediated decay in a gene where loss-of-function is an established disease mechanism (PVS1_VERY STRONG). This variant has been seen in a patient with a clinical diagnosis of Lysosomal Acid Lipase Deficiency who also carried a second pathogenic LIPA variant in trans (PM3_MODERATE, PP4_SUPPORTING; PMID:10562460). This variant is absent from gnomAD v4.1.0 (PM2_MODERATE) and no LAL enzymatic activity was detected in vitro (PS3_STRONG; PMIDs 29196158, 31180157). Based on the evidence listed above, this variant has been classified as pathogenic.

Literature cited by the submitters: PubMed 10562460; PubMed 24792990; PubMed 29196158; PubMed 31180157.

NM_000235.4(LIPA):c.347G>A (p.Trp116Ter)

Gene: LIPA (lipase A, lysosomal acid type; minus strand). Cytogenetic location: 10q23.31.
Variant type: single nucleotide variant.
Coding change: c.347G>A on transcript NM_000235.4 (MANE Select); coding-DNA position 347, G replaced by A.
Protein change: p.Trp116Ter; replaces tryptophan 116 with a stop codon.
Molecular consequence: nonsense. On other transcripts: 5 prime UTR variant (1).
Genome position (GRCh38, 1-based): chr10:89,228,281, C>T on the plus strand (G>A on the coding strand, the complement: LIPA is on the minus strand). VCF-style: chr10-89228281-C-T. GRCh37 (hg19) VCF-style: chr10-90988038-C-T.
Other names: c.347G>A, p.Trp116Ter (NM_001127605.3); c.-2G>A (NM_001288979.2); short protein forms W116*.
Identifiers: ClinVar variation 3572000 (VCV003572000.1).
Genomic context (GRCh38, chr10:89,228,281, plus strand): 5'-TGAGAAACTGAGAGTGTCTTATGTTTCCGAGACCAGGTATTTCCTCTGCTGTTGCCCATC[C>T]ACACGTCAAAACCAGCATCAGCAAGAATGAAGCCCAGGCTGCTGTTGGCAAGGTTTGTGA-3'